The following is an entry in ClinVar:

NM_019098.5(CNGB3):c.298del (p.Glu100fs)

Gene: CNGB3 (cyclic nucleotide gated channel subunit beta 3; minus strand). Cytogenetic location: 8q21.3.
Variant type: Deletion.
Coding change: c.298del on transcript NM_019098.5 (MANE Select); coding-DNA position 298, one base deleted (G; older notation c.298delG).
Protein change: p.Glu100fs; shifts the reading frame from glutamic acid 100.
Molecular consequence: frameshift variant.
Genome position (GRCh38, 1-based): chr8:86,726,571, C deleted on the plus strand (G on the coding strand, the reverse complement: CNGB3 is on the minus strand). VCF-style (leftmost placement, unchanged base first): chr8-86726570-TC-T. GRCh37 (hg19) VCF-style: chr8-87738798-TC-T.
Other names: c.298delG (NM_019098.4); short protein forms E100fs.
Identifiers: ClinVar variation 817918 (VCV000817918.4), dbSNP rs1358283016, ClinGen allele CA583024300.

ClinVar aggregate classification (germline): Pathogenic. Review status: criteria provided, multiple submitters, no conflicts (2 of 4 stars). 2 submissions from 2 submitters: Pathogenic (2). Last evaluated 2024-05-20.

Allele frequency attached by ClinVar (database versions not stated): gnomAD 0.00001.

Submissions (2):

Labcorp Genetics (formerly Invitae), Labcorp
Classification: Pathogenic. Last evaluated: 2024-05-20. Review status: criteria provided, single submitter. Criteria: Invitae Variant Classification Sherloc (09022015). Collection method: clinical testing. Allele origin: germline.
Comment: This sequence change creates a premature translational stop signal (p.Glu100Serfs*25) in the CNGB3 gene. It is expected to result in an absent or disrupted protein product. Loss-of-function variants in CNGB3 are known to be pathogenic (PMID: 28795510). This variant is present in population databases (no rsID available, gnomAD 0.01%). This variant has not been reported in the literature in individuals affected with CNGB3-related conditions. ClinVar contains an entry for this variant (Variation ID: 817918). For these reasons, this variant has been classified as Pathogenic.

GeneDx
Classification: Pathogenic. Last evaluated: 2018-12-14. Review status: criteria provided, single submitter. Criteria: GeneDx Variant Classification (06012015). Collection method: clinical testing. Allele origin: germline. Affected: yes.
Comment: The c.298delG variant in the CNGB3 gene has not been reported previously as a pathogenic variant nor as a benign variant, to our knowledge. The c.298delG variant causes a frameshift starting with codon Glutamic Acid 100, changes this amino acid to a Serine residue, and creates a premature Stop codon at position 25 of the new reading frame, denoted p.Glu100SerfsX25. This variant is predicted to cause loss of normal protein function either through protein truncation or nonsense-mediated mRNA decay. The c.298delG variant is observed in 2/15,002 (0.013%) alleles from individuals of non-Finnish European background in large population cohorts (Lek et al., 2016). We interpret c.298delG as a pathogenic variant.

Literature cited by the submitters: PubMed 28795510 (cited by Labcorp Genetics (formerly Invitae), Labcorp).